The following is an entry in ClinVar:

ClinVar aggregate classification (germline): Uncertain significance (1 of 4 stars; one submission).

Conditions:
Developmental and epileptic encephalopathy, 25 (DEE25). Also called: Epileptic encephalopathy, early infantile, 25, with amelogenesis imperfecta; Developmental and epileptic encephalopathy 25, with amelogenesis imperfecta; Epileptic encephalopathy, early infantile, 25. Identifiers: Orphanet 442835, MedGen C4014621, MONDO:0014392, OMIM 615905.

Allele frequency attached by ClinVar (database versions not stated): gnomAD exomes below 0.00001 and 0.00001; ExAC 0.00001; gnomAD 0.00001; TOPMed 0.00002.
gnomAD v4.1: 5 of 1,614,054 alleles (0.00031%); highest among the groups gnomAD compares: African/African-American, 0.0013%; no homozygotes.

Submission:

Labcorp Genetics (formerly Invitae), Labcorp
Classification: Uncertain significance for Developmental and epileptic encephalopathy, 25. Last evaluated: 2022-05-07. Review status: criteria provided, single submitter. Criteria: Invitae Variant Classification Sherloc (09022015). Collection method: clinical testing. Allele origin: germline.
Comment: This sequence change replaces threonine, which is neutral and polar, with isoleucine, which is neutral and non-polar, at codon 564 of the SLC13A5 protein (p.Thr564Ile). This variant is present in population databases (rs771551520, gnomAD 0.0009%). This variant has not been reported in the literature in individuals affected with SLC13A5-related conditions. ClinVar contains an entry for this variant (Variation ID: 1014097). Algorithms developed to predict the effect of missense changes on protein structure and function are either unavailable or do not agree on the potential impact of this missense change (SIFT: "Deleterious"; PolyPhen-2: "Possibly Damaging"; Align-GVGD: "Class C0"). In summary, the available evidence is currently insufficient to determine the role of this variant in disease. Therefore, it has been classified as a Variant of Uncertain Significance.

NM_177550.5(SLC13A5):c.1691C>T (p.Thr564Ile)

Gene: SLC13A5 (solute carrier family 13 member 5; minus strand). Cytogenetic location: 17p13.1.
Variant type: single nucleotide variant.
Coding change: c.1691C>T on transcript NM_177550.5 (MANE Select); coding-DNA position 1691, C replaced by T.
Protein change: p.Thr564Ile; replaces threonine 564 with isoleucine.
Molecular consequence: missense variant.
Genome position (GRCh38, 1-based): chr17:6,686,223, G>A on the plus strand (C>T on the coding strand, the complement: SLC13A5 is on the minus strand). VCF-style: chr17-6686223-G-A. GRCh37 (hg19) VCF-style: chr17-6589542-G-A.
Other names: c.1553C>T, p.Thr518Ile (NM_001143838.3); c.1640C>T, p.Thr547Ile (NM_001284509.2); c.1562C>T, p.Thr521Ile (NM_001284510.2); short protein forms T518I, T521I, T547I, T564I.
Identifiers: ClinVar variation 1014097 (VCV001014097.6), dbSNP rs771551520, ClinGen allele CA8331296.
Genomic context (GRCh38, chr17:6,686,223, plus strand): 5'-TCCTGAGGAGGGTAAGGGCTGTGTGTGTGGTCTTGTGGCTCTTCCTAAGTCTCAATATGT[G>A]TCACATTAGCCCAGTCAGGGAAATGATCCAAGTCAAATATGGCCCGTCCCCAGGTGTTGA-3'
Protein context (NP_808218.1, residues 554-568): LDHFPDWANV[Thr564Ile]HIET